The following is an entry in ClinVar:

NM_000038.6(APC):c.1958+397C>A

Gene: APC (APC regulator of WNT signaling pathway; plus strand). Cytogenetic location: 5q22.2.
Variant type: single nucleotide variant.
Coding change: c.1958+397C>A on transcript NM_000038.6 (MANE Select); 397 bases into the intron after coding-DNA position 1958, C replaced by A.
Molecular consequence: intron variant.
Genome position (GRCh38, 1-based): chr5:112,835,562, C>A. VCF-style: chr5-112835562-C-A. GRCh37 (hg19) VCF-style: chr5-112171259-C-A.
Other names: c.1958+397C>A (NM_001354895.2, NM_001127510.3); c.1988+397C>A (NM_001354897.2); c.1685+397C>A (NM_001354902.2); c.1904+397C>A (NM_001127511.3); c.1883+397C>A (NM_001354898.2); c.1580+397C>A (NM_001354904.2); c.1109+397C>A (NM_001354906.2); c.2012+397C>A (NM_001354896.2); and 5 more.
Identifiers: ClinVar variation 82617 (VCV000082617.2), dbSNP rs76757140, ClinGen allele CA006658.
Genomic context (GRCh38, chr5:112,835,562, plus strand): 5'-ACTATGAGCGTGATCCAGAGAATATAAAGGTTCACATTTTTCTAATGATGTCTTAGTATC[C>A]ATAATAATAATTTTTTTTTTTTTTTTTTGAGACAGGGTCTCACTCTGTCTCCCAGACTGG-3'

ClinVar aggregate classification (germline): other (0 of 4 stars; one submission).

Conditions:
Familial colorectal cancer. Identifiers: MedGen CN280943, MONDO:0023113. Disease mechanism: loss of function.

Submission:

Systems Biology Platform Zhejiang California International NanoSystems Institute
Classification: other for Familial colorectal cancer. Review status: no assertion criteria provided. Collection method: not provided. Allele origin: unknown.
ClinVar note: Converted during submission from cancer to other.